The following is an entry in ClinVar:

NM_000179.3(MSH6):c.2513C>T (p.Pro838Leu)

Gene: MSH6 (mutS homolog 6; plus strand). Cytogenetic location: 2p16.3.
Variant type: single nucleotide variant.
Coding change: c.2513C>T on transcript NM_000179.3 (MANE Select); coding-DNA position 2513, C replaced by T.
Protein change: p.Pro838Leu; replaces proline 838 with leucine.
Molecular consequence: missense variant.
Genome position (GRCh38, 1-based): chr2:47,800,496, C>T. VCF-style: chr2-47800496-C-T. GRCh37 (hg19) VCF-style: chr2-48027635-C-T.
Other names: c.2123C>T, p.Pro708Leu (NM_001281492.2); c.1607C>T, p.Pro536Leu (NM_001281493.2, NM_001281494.2); short protein forms P708L, P536L, P838L.
Identifiers: ClinVar variation 646900 (VCV000646900.13), dbSNP rs770952730, ClinGen allele CA069137.
Genomic context (GRCh38, chr2:47,800,496, plus strand): 5'-TTGAGAGGCTACTCAGTAAAATTCATAATGTTGGGTCTCCCCTGAAGAGTCAGAACCACC[C>T]AGACAGCAGGGCTATAATGTATGAAGAAACTACATACAGCAAGAAGAAGATTATTGATTT-3'
Protein context (NP_000170.1, residues 828-848): VGSPLKSQNH[Pro838Leu]DSRAIMYEET

ClinVar aggregate classification (germline): Uncertain significance. Review status: criteria provided, multiple submitters, no conflicts (2 of 4 stars). 2 submissions from 2 submitters: Uncertain significance (2). Last evaluated 2019-03-14.

Conditions:
Hereditary nonpolyposis colorectal neoplasms. Identifiers: MedGen C0009405, MeSH D003123.
Hereditary cancer-predisposing syndrome. Also called: Hereditary Cancer Syndrome; Tumor predisposition; Hereditary neoplastic syndrome; Neoplastic Syndromes, Hereditary. Identifiers: Orphanet 140162, MedGen C0027672, MeSH D009386, MONDO:0015356.

Allele frequency attached by ClinVar (database versions not stated): gnomAD exomes below 0.00001; ExAC 0.00001.
gnomAD v4.1: 1 of 1,612,784 alleles (0.000062%); highest among the groups gnomAD compares: Non-Finnish European, 0.000085%; no homozygotes.

Submissions (2):

Ambry Genetics
Classification: Uncertain significance for Hereditary cancer-predisposing syndrome. Last evaluated: 2019-03-14. Review status: criteria provided, single submitter. Criteria: Ambry Variant Classification Scheme 2023. Collection method: clinical testing. Allele origin: germline.
Comment: The p.P838L variant (also known as c.2513C>T), located in coding exon 4 of the MSH6 gene, results from a C to T substitution at nucleotide position 2513. The proline at codon 838 is replaced by leucine, an amino acid with similar properties. This amino acid position is highly conserved in available vertebrate species. In addition, this alteration is predicted to be deleterious by in silico analysis. In addition, the CoDP in silico tool predicts this alteration is likely to impair molecular function, with a score of 0.802 (Terui H et al. J. Biomed. Sci. 2013 Apr;20:25). Since supporting evidence is limited at this time, the clinical significance of this alteration remains unclear.

Labcorp Genetics (formerly Invitae), Labcorp
Classification: Uncertain significance for Hereditary nonpolyposis colorectal neoplasms. Last evaluated: 2018-12-26. Review status: criteria provided, single submitter. Criteria: Invitae Variant Classification Sherloc (09022015). Collection method: clinical testing. Allele origin: germline.
Comment: This sequence change replaces proline with leucine at codon 838 of the MSH6 protein (p.Pro838Leu). The proline residue is highly conserved and there is a moderate physicochemical difference between proline and leucine. This variant is present in population databases (rs770952730, ExAC 0.002%). This variant has not been reported in the literature in individuals with MSH6-related conditions. Algorithms developed to predict the effect of missense changes on protein structure and function (SIFT, PolyPhen-2, Align-GVGD) all suggest that this variant is likely to be disruptive, but these predictions have not been confirmed by published functional studies and their clinical significance is uncertain. In summary, the available evidence is currently insufficient to determine the role of this variant in disease. Therefore, it has been classified as a Variant of Uncertain Significance.